The following is an entry in ClinVar:

NM_000132.4(F8):c.1701del (p.Ile567fs)

Gene: F8 (coagulation factor VIII; minus strand). Cytogenetic location: Xq28.
Variant type: Deletion.
Coding change: c.1701del on transcript NM_000132.4 (MANE Select); coding-DNA position 1701, one base deleted (T; older notation c.1701delT).
Protein change: p.Ile567fs; shifts the reading frame from isoleucine 567.
Molecular consequence: frameshift variant.
Genome position (GRCh38, 1-based): chrX:154,957,008, A deleted on the plus strand (T on the coding strand, the reverse complement: F8 is on the minus strand); the first of 2 consecutive A bases (chrX:154,957,008-154,957,009); deleting either gives the same sequence. VCF-style (leftmost placement, unchanged base first): chrX-154957007-CA-C. GRCh37 (hg19) VCF-style: chrX-154185282-CA-C.
Other names: NM_000132.4:c.1701del; short protein forms I567fs.
Identifiers: ClinVar variation 2775448 (VCV002775448.2), dbSNP rs2523942195, ClinGen allele CA915940891.
Genomic context (GRCh38, chrX:154,957,007, plus strand): 5'-AAGAACTCACCTGGTTTCCTCTTTGATCTACAGATTCTTTGTAGCAGATGAGGAGAGGGC[CA>C]ATGAGTCCTGAAGCTAGATCTCTCTCCATATTAACGAAACTAGAGTAATAGCGGGTCAGG-3'

ClinVar aggregate classification (germline): Pathogenic (3 of 4 stars; one submission).

Conditions:
Hereditary factor VIII deficiency disease (HEMA). Also called: HEMOPHILIA, CLASSIC; AUTOSOMAL HEMOPHILIA A; Hemophilia A; Hemophilia A, congenital; HEM A; Factor 8 deficiency, congenital. Identifiers: Orphanet 98878, MedGen C0019069, MONDO:0010602, OMIM 306700.

Submission:

ClinGen Coagulation Factor Deficiency Variant Curation Expert Panel, Clingen
Classification: Pathogenic for Hereditary factor VIII deficiency disease. Last evaluated: 2024-02-02. Review status: reviewed by expert panel. Criteria: ClinGen CoagFactor ACMG Specifications F8 V1.0.0. Collection method: curation. Allele origin: germline. Inheritance: X-linked inheritance.
Comment: The c.1701del (p.Ile567MetfsTer12) variant is a frameshift variant that is predicted to introduce a premature stop codon in exon 11/26 and expected to result in nonsense-mediated mRNA decay, which meets PVS1 criteria. This variant is completely absent from males in gnomAD v2.1.1 and gnomAD v3 meeting PM2_Supporting criteria. There is one patient from a research cohort with hemophilia A who carries the Ile567MetfsTer12 variant (internal VCEP contributor). In summary, this variant meets criteria to be classified as pathogenic. ACMG/AMP criteria applied, as specified by the Coagulation Factor Deficiency Variant Curation Expert Panel for F8/F9: PVS1, PS4_Supporting, PM2_Supporting.